The following is an entry in ClinVar:

NM_001267550.2(TTN):c.6705C>T (p.Thr2235=)

Gene: TTN (titin; minus strand). Cytogenetic location: 2q31.2.
Variant type: single nucleotide variant.
Coding change: c.6705C>T on transcript NM_001267550.2 (MANE Select); coding-DNA position 6705, C replaced by T.
Protein change: p.Thr2235=; no amino-acid change (threonine 2235 retained).
Molecular consequence: synonymous variant.
Genome position (GRCh38, 1-based): chr2:178,775,006, G>A on the plus strand (C>T on the coding strand, the complement: TTN is on the minus strand). VCF-style: chr2-178775006-G-A. GRCh37 (hg19) VCF-style: chr2-179639733-G-A.
Other names: c.6705C>T, p.Thr2235= (NM_001256850.1, NM_133378.4, NM_133379.5); c.6567C>T, p.Thr2189= (NM_003319.4, NM_133432.3, NM_133437.4).
Identifiers: ClinVar variation 2055209 (VCV002055209.5), dbSNP rs140208507, ClinGen allele CA2004993.

ClinVar aggregate classification (germline): Likely benign. Review status: criteria provided, multiple submitters, no conflicts (2 of 4 stars). 2 submissions from 2 submitters: Likely benign (2). Last evaluated 2026-07-08.

Conditions:
TTN-related disorder. Also called: TTN-related disorders; TTN-related condition; TTN-related disease.
Autosomal recessive limb-girdle muscular dystrophy type 2J (LGMDR10). Also called: Limb-girdle muscular dystrophy, type 2J; MUSCULAR DYSTROPHY, LIMB-GIRDLE, AUTOSOMAL RECESSIVE 10. Identifiers: Orphanet 140922, MedGen C1837342, MONDO:0012127, OMIM 608807.
Dilated cardiomyopathy 1G (CMD1G). Identifiers: Orphanet 154, MedGen C1858763, MONDO:0011400, OMIM 604145.

Allele frequency attached by ClinVar (database versions not stated): ExAC 0.00001; TOPMed 0.00001; gnomAD 0.00002; gnomAD exomes 0.00002; ESP Exome Variant Server 0.00008.
gnomAD v4.1: 28 of 1,613,822 alleles (0.0017%); highest among the groups gnomAD compares: Non-Finnish European, 0.0023%; no homozygotes.

Submissions (2):

PreventionGenetics, part of Exact Sciences
Classification: Likely benign for TTN-related condition. Last evaluated: 2026-07-08. Review status: criteria provided, single submitter. Criteria: ACMG Guidelines, 2015. Collection method: clinical testing. Allele origin: germline.
Comment: This variant is classified as likely benign based on ACMG/AMP sequence variant interpretation guidelines (Richards et al. 2015 PMID: 25741868, with internal and published modifications).

Labcorp Genetics (formerly Invitae), Labcorp
Classification: Likely benign for Dilated cardiomyopathy 1G; Autosomal recessive limb-girdle muscular dystrophy type 2J. Last evaluated: 2025-04-23. Review status: criteria provided, single submitter. Criteria: Invitae Variant Classification Sherloc (09022015). Collection method: clinical testing. Allele origin: germline.